The following is an entry in ClinVar:

NM_138694.4(PKHD1):c.4871G>A (p.Arg1624Gln)

Genes: PKHD1 (PKHD1 ciliary IPT domain containing fibrocystin/polyductin; minus strand), LOC126859690 (MED14-independent group 3 enhancer GRCh37_chr6:51888848-51890047; plus strand). Cytogenetic location: 6p12.2.
Variant type: single nucleotide variant.
Coding change: c.4871G>A on transcript NM_138694.4 (MANE Select); coding-DNA position 4871, G replaced by A.
Protein change: p.Arg1624Gln; replaces arginine 1624 with glutamine.
Molecular consequence: missense variant.
Genome position (GRCh38, 1-based): chr6:52,024,939, C>T on the plus strand (G>A on the coding strand, the complement: PKHD1 is on the minus strand). VCF-style: chr6-52024939-C-T. GRCh37 (hg19) VCF-style: chr6-51889737-C-T.
Other names: c.4871G>A, p.Arg1624Gln (NM_170724.3); short protein forms R1624Q.
Identifiers: ClinVar variation 502043 (VCV000502043.43), dbSNP rs190396031, ClinGen allele CA3852650.

ClinVar aggregate classification (germline): Conflicting classifications of pathogenicity. Review status: criteria provided, conflicting classifications (1 of 4 stars). 6 submissions from 6 submitters: Uncertain significance (4); Likely benign (1). 1 of the submissions does not count toward it. Last evaluated 2026-02-04.

Conditions:
Autosomal recessive polycystic kidney disease (ARPKD). Also called: AR polycystic kidney disease. Identifiers: Orphanet 731, Orphanet 8378, MedGen C0085548, MeSH D017044, MONDO:0009889.
PKHD1-related disorder. Also called: PKHD1-related condition.
Polycystic kidney disease 4 (PKD4). Also called: PKD3; Autosomal Recessive Polycystic Kidney Disease – PKHD1; POLYCYSTIC KIDNEY DISEASE 4 WITH OR WITHOUT POLYCYSTIC LIVER DISEASE; POLYCYSTIC KIDNEY AND HEPATIC DISEASE 1; POLYCYSTIC KIDNEY DISEASE, INFANTILE, TYPE I. Identifiers: MedGen C4540575, MONDO:0033004, OMIM 263200.

Allele frequency attached by ClinVar (database versions not stated): gnomAD exomes 0.00007 and 0.00018; ExAC 0.00022; 1000 Genomes Project 30x 0.00031; 1000 Genomes Project 0.00040; ESP Exome Variant Server 0.00046; gnomAD 0.00051 and 0.00053; TOPMed 0.00055.
gnomAD v4.1: 184 of 1,614,156 alleles (0.011%); highest among the groups gnomAD compares: African/African-American, 0.18%; 2 homozygotes.

Submissions (6):

Labcorp Genetics (formerly Invitae), Labcorp
Classification: Likely benign for Autosomal recessive polycystic kidney disease. Last evaluated: 2026-02-04. Review status: criteria provided, single submitter. Criteria: Invitae Variant Classification Sherloc (09022015). Collection method: clinical testing. Allele origin: germline.

GeneDx
Classification: Uncertain significance. Last evaluated: 2026-01-16. Review status: criteria provided, single submitter. Criteria: GeneDx Variant Classification Process June 2021. Collection method: clinical testing. Allele origin: germline.
Comment: In silico analysis suggests that this missense variant does not alter protein structure/function; Has not been previously published as pathogenic or benign to our knowledge

CeGaT Center for Human Genetics Tuebingen
Classification: Uncertain significance. Last evaluated: 2023-11-01. Review status: criteria provided, single submitter. Criteria: CeGaT Center For Human Genetics Tuebingen Variant Classification Criteria Version 2. Collection method: clinical testing. Allele origin: germline. Affected: yes. Observed: 1 variant allele.
Comment: PKHD1: PM5, BP4

Victorian Clinical Genetics Services, Murdoch Childrens Research Institute
Classification: Uncertain significance for Polycystic kidney disease 4. Last evaluated: 2020-05-26. Review status: criteria provided, single submitter. Criteria: ACMG Guidelines, 2015. Collection method: clinical testing. Allele origin: germline. Inheritance: Autosomal recessive inheritance.
Comment: Based on the classification scheme VCGS_Germline_v1.1.1, this variant is classified as 3C-VUS. Following criteria are met: 0102 - Loss-of-function is a known mechanism of disease for this gene. (N) 0106 - This gene is known to be associated with autosomal recessive disease. (N) 0200 - Variant is predicted to result in a missense amino acid change from arginine to glutamine (exon 32). (N) 0251 - Variant is heterozygous. (N) 0304 - Variant is present in gnomAD <0.01 for a recessive condition (62 heterozygotes, 0 homozygotes). (P) 0309 - An alternative amino acid change at the same position has been observed in gnomAD (39 heterozygotes, 0 homozygotes). (N) 0504 - Same amino acid change has been observed in mammals. (B) 0600 - Variant is located in an annotated domain or motif. (IPT/TIG domain; NCBI, DECIPHER, PDB) (N) 0702 – An alternative, larger change has strong previous evidence for pathogenicity (p.(Arg1624Trp)), being observed in more than 5 patients with polycystic kidney disease with or without hepatic disease (ClinVar). (N) 0808 - Previous reports of pathogenicity are conflicting. (1x VUS and 1x likely benign, ClinVar) (N) 0905 - No segregation evidence has been identified for this variant. (N) 1007 - No published functional evidence has been identified for this variant. (N) 1208 - Inheritance information for this variant is not currently available. (N) Legend: (P) - Pathogenic, (N) - Neutral, (B) - Benign

Eurofins Ntd Llc (ga)
Classification: Uncertain significance. Last evaluated: 2018-07-20. Review status: criteria provided, single submitter. Criteria: EGL ClinVar v180209 classification definitions. Collection method: clinical testing. Allele origin: germline. Observed: 4 variant alleles, 4 heterozygotes.

PreventionGenetics, part of Exact Sciences
Classification: Likely benign for PKHD1-related condition. Last evaluated: 2023-01-30. Review status: no assertion criteria provided. Collection method: clinical testing. Allele origin: germline. Not counted in ClinVar's aggregate classification.
Comment: This variant is classified as likely benign based on ACMG/AMP sequence variant interpretation guidelines (Richards et al. 2015 PMID: 25741868, with internal and published modifications).